The following is an entry in ClinVar:

ClinVar aggregate classification (germline): Likely benign (0 of 4 stars; one submission).

Conditions:
AIFM1-related disorder. Also called: AIFM1-related condition.

Allele frequency attached by ClinVar (database versions not stated): gnomAD 0.00002; TOPMed 0.00004; ExAC 0.00022.
gnomAD v4.1: 32 of 1,163,430 alleles (0.0028%); highest among the groups gnomAD compares: Middle Eastern, 0.046%; no homozygotes.

Submission:

PreventionGenetics, part of Exact Sciences
Classification: Likely benign for AIFM1-related condition. Last evaluated: 2019-03-05. Review status: no assertion criteria provided. Collection method: clinical testing. Allele origin: germline.
Comment: This variant is classified as likely benign based on ACMG/AMP sequence variant interpretation guidelines (Richards et al. 2015 PMID: 25741868, with internal and published modifications).

NM_004208.4(AIFM1):c.968-349C>G

Genes: AIFM1 (apoptosis inducing factor mitochondria associated 1; minus strand), RAB33A (RAB33A, member RAS oncogene family; plus strand). Cytogenetic location: Xq26.1.
Variant type: single nucleotide variant.
Coding change: c.968-349C>G on transcript NM_004208.4 (MANE Select); 349 bases into the intron before coding-DNA position 968, C replaced by G.
Molecular consequence: intron variant. On other transcripts: 5 prime UTR variant (1).
Genome position (GRCh38, 1-based): chrX:130,137,534, G>C on the plus strand (C>G on the coding strand, the complement: AIFM1 is on the minus strand). VCF-style: chrX-130137534-G-C. GRCh37 (hg19) VCF-style: chrX-129271509-G-C.
Other names: c.-399C>G (NM_001130846.4); c.956-349C>G (NM_145812.3); c.968-9C>G (NM_001130847.4).
Identifiers: ClinVar variation 3046355 (VCV003046355.2), dbSNP rs749543402, ClinGen allele CA10515359.
Genomic context (GRCh38, chrX:130,137,534, plus strand): 5'-CAACCTCTGAATAGGAAGCATCCTCCTGAAAAGATGCCCTGATTTCATATATCTGAAAAA[G>C]AACATTAAGAAAACTAGTTGCCATGAAACATTCCAACTGGAGCTCACAGATCTCTCAAGC-3'